The following is an entry in ClinVar:

ClinVar aggregate classification (germline): Uncertain significance (0 of 4 stars; one submission).

Conditions:
L1CAM-related disorder. Also called: L1CAM-related condition.

Submission:

PreventionGenetics, part of Exact Sciences
Classification: Uncertain significance for L1CAM-related condition. Last evaluated: 2024-04-19. Review status: no assertion criteria provided. Collection method: clinical testing. Allele origin: germline.
Comment: The L1CAM c.1137C>G variant is predicted to result in the amino acid substitution p.Asp379Glu. To our knowledge, this variant has not been reported in the literature or in a large population database, indicating this variant is rare. At this time, the clinical significance of this variant is uncertain due to the absence of conclusive functional and genetic evidence.

NM_001278116.2(L1CAM):c.1137C>G (p.Asp379Glu)

Gene: L1CAM (L1 cell adhesion molecule; minus strand). Cytogenetic location: Xq28.
Variant type: single nucleotide variant.
Coding change: c.1137C>G on transcript NM_001278116.2 (MANE Select); coding-DNA position 1137, C replaced by G.
Protein change: p.Asp379Glu; replaces aspartic acid 379 with glutamic acid.
Molecular consequence: missense variant.
Genome position (GRCh38, 1-based): chrX:153,869,650, G>C on the plus strand (C>G on the coding strand, the complement: L1CAM is on the minus strand). VCF-style: chrX-153869650-G-C. GRCh37 (hg19) VCF-style: chrX-153135105-G-C.
Other names: c.1137C>G, p.Asp379Glu (NM_000425.5, NM_024003.3); c.1122C>G, p.Asp374Glu (NM_001143963.2); short protein forms D374E, D379E.
Identifiers: ClinVar variation 3350031 (VCV003350031.1).